The following is an entry in ClinVar:

ClinVar aggregate classification (germline): Benign (1 of 4 stars; one submission).

Conditions:
Immunodeficiency 67. Also called: Immunodeficiency due to interleukin-1 receptor-associated kinase-4 deficiency. Identifiers: Orphanet 70592, MedGen C1843256, MONDO:0011888, OMIM 607676.

Allele frequency attached by ClinVar (database versions not stated): gnomAD 0.01181 and 0.01257; TOPMed 0.01296; 1000 Genomes Project 30x 0.01437; 1000 Genomes Project 0.01438.

Submission:

Illumina Laboratory Services, Illumina
Classification: Benign for Immunodeficiency 67. Last evaluated: 2018-01-12. Review status: criteria provided, single submitter. Criteria: ICSL Variant Classification Criteria 13 December 2019. Collection method: clinical testing. Allele origin: germline.
Comment: This variant was observed in the ICSL laboratory as part of a predisposition screen in an ostensibly healthy population. It had not been previously curated by ICSL or reported in the Human Gene Mutation Database (HGMD: prior to June 1st, 2018), and was therefore a candidate for classification through an automated scoring system. Utilizing variant allele frequency, disease prevalence and penetrance estimates, and inheritance mode, an automated score was calculated to assess if this variant is too frequent to cause the disease. Based on the score and internal cut-off values, a variant classified as benign is not then subjected to further curation. The score for this variant resulted in a classification of benign for this disease.

NM_016123.4(IRAK4):c.*608A>G

Gene: IRAK4 (interleukin 1 receptor associated kinase 4; plus strand). Cytogenetic location: 12q12.
Variant type: single nucleotide variant.
Coding change: c.*608A>G on transcript NM_016123.4 (MANE Select); 608 bases downstream of the stop codon, A replaced by G.
Molecular consequence: 3 prime UTR variant.
Genome position (GRCh38, 1-based): chr12:43,787,323, A>G. VCF-style: chr12-43787323-A-G. GRCh37 (hg19) VCF-style: chr12-44181126-A-G.
Other names: c.*608A>G (NM_001114182.3, NM_001145256.2, NM_001145257.2 and 9 more transcripts).
Identifiers: ClinVar variation 308740 (VCV000308740.5), dbSNP rs4251551, ClinGen allele CA10637470.
Genomic context (GRCh38, chr12:43,787,323, plus strand): 5'-AGATTGTGTTCACAGCAATCATTTAACCACAAATAAAATATCCCTTGATGATACTGCCAT[A>G]ATGATATGTCCATTATTAGATTATGTTACATGACAAAGTTGAAGGAATTTGGCAGATGCA-3'